The following is an entry in ClinVar:

NM_015331.3(NCSTN):c.881G>A (p.Gly294Glu)

Gene: NCSTN (nicastrin; plus strand). Cytogenetic location: 1q23.2.
Variant type: single nucleotide variant.
Coding change: c.881G>A on transcript NM_015331.3 (MANE Select); coding-DNA position 881, G replaced by A.
Protein change: p.Gly294Glu; replaces glycine 294 with glutamic acid.
Molecular consequence: missense variant. On other transcripts: intron variant (1).
Genome position (GRCh38, 1-based): chr1:160,352,091, G>A. VCF-style: chr1-160352091-G-A. GRCh37 (hg19) VCF-style: chr1-160321881-G-A.
Other names: c.821G>A, p.Gly274Glu (NM_001290184.2); c.881G>A, p.Gly294Glu (NM_001349729.2); c.583-796G>A (NM_001290186.2); short protein forms G294E, G274E.
Identifiers: ClinVar variation 3674045 (VCV003674045.2).

ClinVar aggregate classification (germline): Uncertain significance (1 of 4 stars; one submission).

Submission:

Labcorp Genetics (formerly Invitae), Labcorp
Classification: Uncertain significance. Last evaluated: 2024-11-11. Review status: criteria provided, single submitter. Criteria: Invitae Variant Classification Sherloc (09022015). Collection method: clinical testing. Allele origin: germline.
Comment: This sequence change replaces glycine, which is neutral and non-polar, with glutamic acid, which is acidic and polar, at codon 294 of the NCSTN protein (p.Gly294Glu). This variant is not present in population databases (gnomAD no frequency). This variant has not been reported in the literature in individuals affected with NCSTN-related conditions. Invitae Evidence Modeling of protein sequence and biophysical properties (such as structural, functional, and spatial information, amino acid conservation, physicochemical variation, residue mobility, and thermodynamic stability) indicates that this missense variant is expected to disrupt NCSTN protein function with a positive predictive value of 80%. In summary, the available evidence is currently insufficient to determine the role of this variant in disease. Therefore, it has been classified as a Variant of Uncertain Significance.